The following is an entry in ClinVar:

NM_000093.5(COL5A1):c.1193A>G (p.Asp398Gly)

Gene: COL5A1 (collagen type V alpha 1 chain; plus strand). Cytogenetic location: 9q34.3.
Variant type: single nucleotide variant.
Coding change: c.1193A>G on transcript NM_000093.5 (MANE Select); coding-DNA position 1193, A replaced by G.
Protein change: p.Asp398Gly; replaces aspartic acid 398 with glycine.
Molecular consequence: missense variant.
Genome position (GRCh38, 1-based): chr9:134,731,524, A>G. VCF-style: chr9-134731524-A-G. GRCh37 (hg19) VCF-style: chr9-137623370-A-G.
Other names: c.1193A>G, p.Asp398Gly (NM_001278074.1); short protein forms D398G.
Identifiers: ClinVar variation 2004198 (VCV002004198.4), dbSNP rs2490506728, ClinGen allele CA375450641.

ClinVar aggregate classification (germline): Uncertain significance (1 of 4 stars; one submission).

Conditions:
Ehlers-Danlos syndrome, classic type, 1 (EDSCL1). Also called: EHLERS-DANLOS SYNDROME, GRAVIS TYPE; EHLERS-DANLOS SYNDROME, SEVERE CLASSIC TYPE; Ehlers-Danlos syndrome, type 1; EDS I; Ehlers-Danlos Syndrome, Classic Type, COL5A1-Related. Identifiers: MedGen C0268335, MONDO:0019567, OMIM 130000.

Submission:

Labcorp Genetics (formerly Invitae), Labcorp
Classification: Uncertain significance for Ehlers-Danlos syndrome, classic type, 1. Last evaluated: 2022-06-10. Review status: criteria provided, single submitter. Criteria: Invitae Variant Classification Sherloc (09022015). Collection method: clinical testing. Allele origin: germline.
Comment: Advanced modeling of protein sequence and biophysical properties (such as structural, functional, and spatial information, amino acid conservation, physicochemical variation, residue mobility, and thermodynamic stability) performed at Invitae indicates that this missense variant is not expected to disrupt COL5A1 protein function. In summary, the available evidence is currently insufficient to determine the role of this variant in disease. Therefore, it has been classified as a Variant of Uncertain Significance. This missense change has been observed in individual(s) with COL5A1-related conditions (Invitae). This variant is not present in population databases (gnomAD no frequency). This sequence change replaces aspartic acid, which is acidic and polar, with glycine, which is neutral and non-polar, at codon 398 of the COL5A1 protein (p.Asp398Gly).